The following is an entry in ClinVar:

NM_004104.5(FASN):c.2516G>A (p.Ser839Asn)

Gene: FASN (fatty acid synthase; minus strand). Cytogenetic location: 17q25.3.
Variant type: single nucleotide variant.
Coding change: c.2516G>A on transcript NM_004104.5 (MANE Select); coding-DNA position 2516, G replaced by A.
Protein change: p.Ser839Asn; replaces serine 839 with asparagine.
Molecular consequence: missense variant.
Genome position (GRCh38, 1-based): chr17:82,088,467, C>T on the plus strand (G>A on the coding strand, the complement: FASN is on the minus strand). VCF-style: chr17-82088467-C-T. GRCh37 (hg19) VCF-style: chr17-80046343-C-T.
Other names: short protein forms S839N.
Identifiers: ClinVar variation 2739545 (VCV002739545.3), dbSNP rs2509838829, ClinGen allele CA401557334.
Genomic context (GRCh38, chr17:82,088,467, plus strand): 5'-GCTGAGGGGGAACCTGAACCGTTGGGGAAGTCCTCGGCGGCCGGCACGTCCCAGGCCAGG[C>T]TGTGGTCCCACTTGATGAGTGGGGAGATGAGGGGAGTTCCTCGGGGAGCTGGGAACTCCA-3'
Protein context (NP_004095.4, residues 829-849): LISPLIKWDH[Ser839Asn]LAWDVPAAED

ClinVar aggregate classification (germline): Uncertain significance (1 of 4 stars; one submission).

Conditions:
Epileptic encephalopathy. Identifiers: MedGen C0543888, HP:0200134.

Submission:

Labcorp Genetics (formerly Invitae), Labcorp
Classification: Uncertain significance for Epileptic encephalopathy. Last evaluated: 2023-07-09. Review status: criteria provided, single submitter. Criteria: Invitae Variant Classification Sherloc (09022015). Collection method: clinical testing. Allele origin: germline.
Comment: In summary, the available evidence is currently insufficient to determine the role of this variant in disease. Therefore, it has been classified as a Variant of Uncertain Significance. An algorithm developed to predict the effect of missense changes on protein structure and function (PolyPhen-2) suggests that this variant is likely to be tolerated. This variant has not been reported in the literature in individuals affected with FASN-related conditions. This variant is not present in population databases (gnomAD no frequency). This sequence change replaces serine, which is neutral and polar, with asparagine, which is neutral and polar, at codon 839 of the FASN protein (p.Ser839Asn).